The following is an entry in ClinVar:

ClinVar aggregate classification (germline): Uncertain significance (1 of 4 stars; one submission).

Conditions:
Wiedemann-Steiner syndrome (WDSTS). Also called: Growth deficiency and mental retardation with facial dysmorphism. Identifiers: Orphanet 319182, MedGen C1854630, MONDO:0011518, OMIM 605130.

Submission:

MVZ Medizinische Genetik Mainz
Classification: Uncertain significance for Wiedemann-Steiner syndrome. Last evaluated: 2024-04-10. Review status: criteria provided, single submitter. Criteria: UK Practice Guidelines For Variant Classification V4 01 2020. Collection method: clinical testing. Allele origin: germline. Inheritance: Autosomal dominant inheritance. Affected: yes. Observed: 1 variant allele.
Comment: ACMG Criteria: PM2_SUP

NM_001197104.2(KMT2A):c.9374T>G (p.Leu3125Trp)

Gene: KMT2A (lysine methyltransferase 2A; plus strand). Cytogenetic location: 11q23.3.
Variant type: single nucleotide variant.
Coding change: c.9374T>G on transcript NM_001197104.2 (MANE Select); coding-DNA position 9374, T replaced by G.
Protein change: p.Leu3125Trp; replaces leucine 3125 with tryptophan.
Molecular consequence: missense variant.
Genome position (GRCh38, 1-based): chr11:118,505,266, T>G. VCF-style: chr11-118505266-T-G. GRCh37 (hg19) VCF-style: chr11-118375981-T-G.
Other names: c.9464T>G, p.Leu3155Trp (NM_001412597.1); c.9365T>G, p.Leu3122Trp (NM_005933.4); short protein forms L3122W, L3125W, L3155W.
Identifiers: ClinVar variation 3256643 (VCV003256643.1).